The following is an entry in ClinVar:

ClinVar aggregate classification (germline): Uncertain significance (1 of 4 stars; one submission).

Submission:

GeneDx
Classification: Uncertain significance. Last evaluated: 2020-03-26. Review status: criteria provided, single submitter. Criteria: GeneDx Variant Classification Process June 2021. Collection method: clinical testing. Allele origin: germline. Affected: yes.
Comment: Not observed at a significant frequency in large population cohorts (Lek et al., 2016); In silico analysis supports that this missense variant has a deleterious effect on protein structure/function; Has not been previously published as pathogenic or benign to our knowledge

NM_000890.5(KCNJ5):c.766G>A (p.Asp256Asn)

Gene: KCNJ5 (potassium inwardly rectifying channel subfamily J member 5; plus strand). Cytogenetic location: 11q24.3.
Variant type: single nucleotide variant.
Coding change: c.766G>A on transcript NM_000890.5 (MANE Select); coding-DNA position 766, G replaced by A.
Protein change: p.Asp256Asn; replaces aspartic acid 256 with asparagine.
Molecular consequence: missense variant.
Genome position (GRCh38, 1-based): chr11:128,912,039, G>A. VCF-style: chr11-128912039-G-A. GRCh37 (hg19) VCF-style: chr11-128781934-G-A.
Other names: c.766G>A, p.Asp256Asn (NM_001354169.2); short protein forms D256N.
Identifiers: ClinVar variation 1302912 (VCV001302912.2), dbSNP rs2135999533, ClinGen allele CA383250042.